The following is an entry in ClinVar:

ClinVar aggregate classification (germline): Uncertain significance (0 of 4 stars; one submission).

Allele frequency attached by ClinVar (database versions not stated): gnomAD 0.00001; gnomAD exomes 0.00001 and 0.00003; TOPMed 0.00001; ExAC 0.00006.
gnomAD v4.1: 24 of 1,613,466 alleles (0.0015%); highest among the groups gnomAD compares: South Asian, 0.011%; no homozygotes.

Submission:

Department of Pathology and Laboratory Medicine, Sinai Health System
Classification: Uncertain significance. Review status: no assertion criteria provided. Collection method: clinical testing. Allele origin: unknown. Affected: yes. Study: The Canadian Open Genetics Repository (COGR).
Comment: The GRM1 p.Arg491Cys variant was not identified in the literature nor was it identified in ClinVar or LOVD 3.0. The variant was identified in dbSNP (ID: rs746603273) and in control databases in 8 of 251112 chromosomes at a frequency of 0.00003186 (Genome Aggregation Database March 6, 2019, v2.1.1). The variant was observed in the following populations: South Asian in 4 of 30616 chromosomes (freq: 0.000131), African in 1 of 16256 chromosomes (freq: 0.000062) and European (non-Finnish) in 3 of 113446 chromosomes (freq: 0.000026), but was not observed in the Latino, Ashkenazi Jewish, East Asian, European (Finnish), and Other populations. Although the p.Arg491 residue is not conserved in mammals and other organisms, computational analyses (PolyPhen-2, SIFT, AlignGVGD, BLOSUM, MutationTaster) suggest that the variant may impact the protein. The variant occurs outside of the splicing consensus sequence and in silico or computational prediction software programs (SpliceSiteFinder, MaxEntScan, NNSPLICE, GeneSplicer) do not predict a difference in splicing. In summary, based on the above information the clinical significance of this variant cannot be determined with certainty at this time. This variant is classified as a variant of uncertain significance.

NM_001278064.2(GRM1):c.1471C>T (p.Arg491Cys)

Gene: GRM1 (glutamate metabotropic receptor 1; plus strand). Cytogenetic location: 6q24.3.
Variant type: single nucleotide variant.
Coding change: c.1471C>T on transcript NM_001278064.2 (MANE Select); coding-DNA position 1471, C replaced by T.
Protein change: p.Arg491Cys; replaces arginine 491 with cysteine.
Molecular consequence: missense variant.
Genome position (GRCh38, 1-based): chr6:146,357,563, C>T. VCF-style: chr6-146357563-C-T. GRCh37 (hg19) VCF-style: chr6-146678699-C-T.
Other names: c.1471C>T, p.Arg491Cys (NM_001278065.2, NM_001278066.1, NM_001278067.1); short protein forms R491C.
Identifiers: ClinVar variation 1050480 (VCV001050480.1), dbSNP rs746603273, ClinGen allele CA4037302.